The following is an entry in ClinVar:

NM_000844.4(GRM7):c.1362T>C (p.Asn454=)

Gene: GRM7 (glutamate metabotropic receptor 7; plus strand). Cytogenetic location: 3p26.1.
Variant type: single nucleotide variant.
Coding change: c.1362T>C on transcript NM_000844.4 (MANE Select); coding-DNA position 1362, T replaced by C.
Protein change: p.Asn454=; no amino-acid change (asparagine 454 retained).
Molecular consequence: synonymous variant.
Genome position (GRCh38, 1-based): chr3:7,452,794, T>C. VCF-style: chr3-7452794-T-C. GRCh37 (hg19) VCF-style: chr3-7494481-T-C.
Other names: c.1362T>C, p.Asn454= (NM_181874.3).
Identifiers: ClinVar variation 2653464 (VCV002653464.24), dbSNP rs764998178, ClinGen allele CA2234871.

ClinVar aggregate classification (germline): Likely benign (1 of 4 stars; one submission).

Allele frequency attached by ClinVar (database versions not stated): TOPMed below 0.00001; ExAC 0.00001.
gnomAD v4.1: 6 of 1,608,930 alleles (0.00037%); highest among the groups gnomAD compares: Middle Eastern, 0.033%; no homozygotes.

Submission:

CeGaT Center for Human Genetics Tuebingen
Classification: Likely benign. Last evaluated: 2022-12-01. Review status: criteria provided, single submitter. Criteria: CeGaT Center For Human Genetics Tuebingen Variant Classification Criteria Version 2. Collection method: clinical testing. Allele origin: germline. Affected: yes. Observed: 1 variant allele.
Comment: GRM7: BP4, BP7